The following is an entry in ClinVar:

NM_002180.3(IGHMBP2):c.2716G>A (p.Val906Ile)

Gene: IGHMBP2 (immunoglobulin mu DNA binding protein 2; plus strand). Cytogenetic location: 11q13.3.
Variant type: single nucleotide variant.
Coding change: c.2716G>A on transcript NM_002180.3 (MANE Select); coding-DNA position 2716, G replaced by A.
Protein change: p.Val906Ile; replaces valine 906 with isoleucine.
Molecular consequence: missense variant.
Genome position (GRCh38, 1-based): chr11:68,938,286, G>A. VCF-style: chr11-68938286-G-A. GRCh37 (hg19) VCF-style: chr11-68705754-G-A.
Other names: short protein forms V906I.
Identifiers: ClinVar variation 845709 (VCV000845709.7), dbSNP rs748491290, ClinGen allele CA6153992.

ClinVar aggregate classification (germline): Uncertain significance (1 of 4 stars; one submission).

Conditions:
Charcot-Marie-Tooth disease axonal type 2S. Also called: CHARCOT-MARIE-TOOTH NEUROPATHY, TYPE 2S; CHARCOT-MARIE-TOOTH DISEASE, AXONAL, AUTOSOMAL RECESSIVE, TYPE 2S. Identifiers: Orphanet 443073, MedGen C4015349, MONDO:0014511, OMIM 616155.
Autosomal recessive distal spinal muscular atrophy 1. Also called: SEVERE INFANTILE AXONAL NEUROPATHY WITH RESPIRATORY FAILURE; SPINAL MUSCULAR ATROPHY, DIAPHRAGMATIC; Spinal muscular atrophy with respiratory distress 1; HMN VI; NEURONOPATHY, DISTAL HEREDITARY MOTOR, HARDING TYPE VI; NEUROPATHY, DISTAL HEREDITARY MOTOR, AUTOSOMAL RECESSIVE 1. Identifiers: Orphanet 98920, MedGen C1858517, MONDO:0011436, OMIM 604320.

Allele frequency attached by ClinVar (database versions not stated): ExAC 0.00001; gnomAD 0.00001; gnomAD exomes 0.00001; TOPMed 0.00002.
gnomAD v4.1: 9 of 1,613,404 alleles (0.00056%); highest among the groups gnomAD compares: African/African-American, 0.0013%; no homozygotes.

Submission:

Labcorp Genetics (formerly Invitae), Labcorp
Classification: Uncertain significance for Autosomal recessive distal spinal muscular atrophy 1; Charcot-Marie-Tooth disease axonal type 2S. Last evaluated: 2021-08-31. Review status: criteria provided, single submitter. Criteria: Invitae Variant Classification Sherloc (09022015). Collection method: clinical testing. Allele origin: germline.
Comment: This sequence change replaces valine with isoleucine at codon 906 of the IGHMBP2 protein (p.Val906Ile). The valine residue is moderately conserved and there is a small physicochemical difference between valine and isoleucine. This variant is present in population databases (rs748491290, ExAC 0.01%). This variant has not been reported in the literature in individuals affected with IGHMBP2-related conditions. Algorithms developed to predict the effect of missense changes on protein structure and function (SIFT, PolyPhen-2, Align-GVGD) all suggest that this variant is likely to be tolerated. In summary, the available evidence is currently insufficient to determine the role of this variant in disease. Therefore, it has been classified as a Variant of Uncertain Significance.